The following is an entry in ClinVar:

NM_000455.5(STK11):c.1228G>T (p.Ala410Ser)

Gene: STK11 (serine/threonine kinase 11; plus strand). Cytogenetic location: 19p13.3.
Variant type: single nucleotide variant.
Coding change: c.1228G>T on transcript NM_000455.5 (MANE Select); coding-DNA position 1228, G replaced by T.
Protein change: p.Ala410Ser; replaces alanine 410 with serine.
Molecular consequence: missense variant.
Genome position (GRCh38, 1-based): chr19:1,226,573, G>T. VCF-style: chr19-1226573-G-T. GRCh37 (hg19) VCF-style: chr19-1226572-G-T.
Other names: short protein forms A410S.
Identifiers: ClinVar variation 1708993 (VCV001708993.10), dbSNP rs2080823389, ClinGen allele CA402953858.
Genomic context (GRCh38, chr19:1,226,573, plus strand): 5'-GTGTGTATGAACGGCACAGAGGCGGCGCAGCTGAGCACCAAATCCAGGGCGGAGGGCCGG[G>T]CCCCCAACCCTGCCCGCAAGGCCTGCTCCGCCAGCAGCAAGATCCGCCGGCTGTCGGCCT-3'
Protein context (NP_000446.1, residues 400-420): LSTKSRAEGR[Ala410Ser]PNPARKACSA

ClinVar aggregate classification (germline): Conflicting classifications of pathogenicity. Review status: criteria provided, conflicting classifications (1 of 4 stars). 3 submissions from 3 submitters: Uncertain significance (2); Likely benign (1). Last evaluated 2026-05-18.

Conditions:
Hereditary cancer-predisposing syndrome. Also called: Hereditary Cancer Syndrome; Neoplastic Syndromes, Hereditary; Hereditary neoplastic syndrome; Tumor predisposition. Identifiers: Orphanet 140162, MedGen C0027672, MeSH D009386, MONDO:0015356.
Peutz-Jeghers syndrome (PJS). Also called: POLYPOSIS, HAMARTOMATOUS INTESTINAL; POLYPS-AND-SPOTS SYNDROME; Peutz-Jeghers polyposis; Periorificial lentiginosis syndrome. Identifiers: Orphanet 2869, MedGen C0031269, MeSH D010580, MONDO:0008280, OMIM 175200.

Submissions (3):

Ambry Genetics
Classification: Likely benign for Hereditary cancer-predisposing syndrome. Last evaluated: 2026-05-18. Review status: criteria provided, single submitter. Criteria: Ambry Variant Classification Scheme 2023. Collection method: clinical testing. Allele origin: germline.

Labcorp Genetics (formerly Invitae), Labcorp
Classification: Uncertain significance for Peutz-Jeghers syndrome. Last evaluated: 2022-03-27. Review status: criteria provided, single submitter. Criteria: Invitae Variant Classification Sherloc (09022015). Collection method: clinical testing. Allele origin: germline.
Comment: This sequence change replaces alanine, which is neutral and non-polar, with serine, which is neutral and polar, at codon 410 of the STK11 protein (p.Ala410Ser). This variant is not present in population databases (gnomAD no frequency). This variant has not been reported in the literature in individuals affected with STK11-related conditions. Advanced modeling of protein sequence and biophysical properties (such as structural, functional, and spatial information, amino acid conservation, physicochemical variation, residue mobility, and thermodynamic stability) performed at Invitae indicates that this missense variant is not expected to disrupt STK11 protein function. In summary, the available evidence is currently insufficient to determine the role of this variant in disease. Therefore, it has been classified as a Variant of Uncertain Significance.

MGZ Medical Genetics Center
Classification: Uncertain significance for Peutz-Jeghers syndrome. Last evaluated: 2022-03-16. Review status: criteria provided, single submitter. Criteria: ACMG Guidelines, 2015. Collection method: clinical testing. Allele origin: germline. Affected: yes. Observed: 1 variant allele.
Comment: ACMG criteria applied: PM2_SUP, BP4